The following is an entry in ClinVar:

ClinVar aggregate classification (germline): Uncertain significance (1 of 4 stars; one submission).

Allele frequency attached by ClinVar (database versions not stated): ExAC 0.00001; gnomAD 0.00009; gnomAD exomes 0.00001; TOPMed 0.00016.
gnomAD v4.1: 26 of 1,606,922 alleles (0.0016%); highest among the groups gnomAD compares: Admixed American, 0.035%; no homozygotes.

Submission:

GeneDx
Classification: Uncertain significance. Last evaluated: 2026-05-27. Review status: criteria provided, single submitter. Criteria: GeneDx Variant Classification Process June 2021. Collection method: clinical testing. Allele origin: germline.
Comment: In silico analysis supports that this missense variant does not alter protein structure/function; Has not been previously published as pathogenic or benign to our knowledge

NM_024989.4(PGAP1):c.1550A>G (p.Lys517Arg)

Gene: PGAP1 (post-GPI attachment to proteins inositol deacylase 1; minus strand). Cytogenetic location: 2q33.1.
Variant type: single nucleotide variant.
Coding change: c.1550A>G on transcript NM_024989.4 (MANE Select); coding-DNA position 1550, A replaced by G.
Protein change: p.Lys517Arg; replaces lysine 517 with arginine.
Molecular consequence: missense variant.
Genome position (GRCh38, 1-based): chr2:196,873,530, T>C on the plus strand (A>G on the coding strand, the complement: PGAP1 is on the minus strand). VCF-style: chr2-196873530-T-C. GRCh37 (hg19) VCF-style: chr2-197738254-T-C.
Other names: c.1028A>G, p.Lys343Arg (NM_001321099.2); c.383A>G, p.Lys128Arg (NM_001321100.2); short protein forms K128R, K343R, K517R.
Identifiers: ClinVar variation 1800942 (VCV001800942.2), dbSNP rs752578891, ClinGen allele CA2040891.